The following is an entry in ClinVar:

NM_015102.5(NPHP4):c.2519G>A (p.Ser840Asn)

Gene: NPHP4 (nephrocystin 4; minus strand). Cytogenetic location: 1p36.31.
Variant type: single nucleotide variant.
Coding change: c.2519G>A on transcript NM_015102.5 (MANE Select); coding-DNA position 2519, G replaced by A.
Protein change: p.Ser840Asn; replaces serine 840 with asparagine.
Molecular consequence: missense variant. On other transcripts: non-coding transcript variant (1).
Genome position (GRCh38, 1-based): chr1:5,880,206, C>T on the plus strand (G>A on the coding strand, the complement: NPHP4 is on the minus strand). VCF-style: chr1-5880206-C-T. GRCh37 (hg19) VCF-style: chr1-5940266-C-T.
Other names: p.Ser840Asn; c.980G>A, p.Ser327Asn (NM_001291593.2); c.983G>A, p.Ser328Asn (NM_001291594.2); short protein forms S840N, S327N, S328N.
Identifiers: ClinVar variation 289888 (VCV000289888.27), dbSNP rs147588666, ClinGen allele CA554073.

ClinVar aggregate classification (germline): Conflicting classifications of pathogenicity. Review status: criteria provided, conflicting classifications (1 of 4 stars). 9 submissions from 8 submitters: Uncertain significance (3); Likely benign (5). 1 of the submissions does not count toward it. Last evaluated 2026-02-02.

Conditions:
Nephronophthisis. Also called: Juvenile Nephronophthisis. Identifiers: Orphanet 655, MedGen C0687120, MONDO:0019005, HP:0000090.
Senior-Loken syndrome 4 (SLSN4). Identifiers: Orphanet 3156, MedGen C1846979, MONDO:0011756, OMIM 606996.
Nephronophthisis 4 (NPHP4). Also called: NEPHRONOPHTHISIS 4, JUVENILE. Identifiers: Orphanet 655, MedGen C1847013, MONDO:0011752, OMIM 606966.
Inborn genetic diseases. Identifiers: MedGen C0950123, MeSH D030342.

Allele frequency attached by ClinVar (database versions not stated): gnomAD exomes 0.00013 and 0.00034; ExAC 0.00041; 1000 Genomes Project 30x 0.00109; ESP Exome Variant Server 0.00112; 1000 Genomes Project 0.00120; gnomAD 0.00132 and 0.00147; TOPMed 0.00142.
gnomAD v4.1: 404 of 1,613,694 alleles (0.025%); highest among the groups gnomAD compares: African/African-American, 0.45%; 1 homozygote.

Submissions (9):

Labcorp Genetics (formerly Invitae), Labcorp
Classification: Likely benign for Nephronophthisis. Last evaluated: 2026-02-02. Review status: criteria provided, single submitter. Criteria: Invitae Variant Classification Sherloc (09022015). Collection method: clinical testing. Allele origin: germline.

Mayo Clinic Laboratories, Mayo Clinic
Classification: Likely benign. Last evaluated: 2025-12-14. Review status: criteria provided, single submitter. Criteria: ACMG Guidelines, 2015. Collection method: clinical testing. Allele origin: germline. Observed: 4 variant alleles.
Comment: BS1, BP4_moderate

Blueprint Genetics
Classification: Likely benign. Last evaluated: 2024-11-01. Review status: criteria provided, single submitter. Criteria: ACMG Guidelines, 2015. Collection method: clinical testing. Allele origin: germline.

Ambry Genetics
Classification: Uncertain significance for Inborn genetic diseases. Last evaluated: 2024-03-14. Review status: criteria provided, single submitter. Criteria: Ambry Variant Classification Scheme 2023. Collection method: clinical testing. Allele origin: germline.

Genetic Services Laboratory, University of Chicago
Classification: Uncertain significance. Last evaluated: 2021-09-20. Review status: criteria provided, single submitter. Criteria: ACMG Guidelines, 2015. Collection method: clinical testing. Allele origin: germline. Affected: no.
Comment: DNA sequence analysis of the NPHP4 gene demonstrated a sequence change, c.2519G>A, in exon 19 that results in an amino acid change, p.Ser840Asn. This sequence change has been described in the gnomAD database with a frequency of 0.47% in the African/African American subpopulation (dbSNP rs147588666). The p.Ser840Asn change affects a poorly conserved amino acid residue located in a domain of the NPHP4 protein that is not known to be functional. The p.Ser840Asn substitution appears to be benign using several in-silico pathogenicity prediction tools (SIFT, PolyPhen2, Align GVGD, REVEL). This sequence change does not appear to have been previously described in individuals with NPHP4-related disorders. Due to insufficient evidences and the lack of functional studies, the clinical significance of the p.Ser840Asn change remains unknown at this time.

Illumina Laboratory Services, Illumina
Classification: Uncertain significance for Nephronophthisis 4. Last evaluated: 2018-01-12. Review status: criteria provided, single submitter. Criteria: ICSL Variant Classification Criteria 13 December 2019. Collection method: clinical testing. Allele origin: germline.

Illumina Laboratory Services, Illumina
Classification: Likely benign for Senior-Loken syndrome 4. Last evaluated: 2018-01-12. Review status: criteria provided, single submitter. Criteria: ICSL Variant Classification Criteria 13 December 2019. Collection method: clinical testing. Allele origin: germline.
Comment: This variant was observed in the ICSL laboratory as part of a predisposition screen in an ostensibly healthy population. It had not been previously curated by ICSL or reported in the Human Gene Mutation Database (HGMD: prior to June 1st, 2018), and was therefore a candidate for classification through an automated scoring system. Utilizing variant allele frequency, disease prevalence and penetrance estimates, and inheritance mode, an automated score was calculated to assess if this variant is too frequent to cause the disease. Based on the score and internal cut-off values, a variant classified as likely benign is not then subjected to further curation. The score for this variant resulted in a classification of likely benign for this disease.

Eurofins Ntd Llc (ga)
Classification: Likely benign. Last evaluated: 2016-11-22. Review status: criteria provided, single submitter. Criteria: EGL Classification Definitions 2015. Collection method: clinical testing. Allele origin: germline. Observed: 3 variant alleles, 3 heterozygotes.

Department of Pathology and Laboratory Medicine, Sinai Health System
Classification: Uncertain significance. Review status: no assertion criteria provided. Collection method: clinical testing. Allele origin: unknown. Affected: yes. Study: The Canadian Open Genetics Repository (COGR). Not counted in ClinVar's aggregate classification.
Comment: The NPHP4 p.S840N variant was not identified in the literature but was identified in dbSNP (ID: rs147588666) and ClinVar (classified as likely benign by EGL Genetic Diagnostics, Illumina for Senior-Loken syndrome 4 and Invitae for nephronophthisis; and as uncertain significance by Illumina for nephronophthisis 4). The variant was identified in control databases in 133 of 279792 chromosomes at a frequency of 0.0004754, and was observed at the highest frequency in the African population in 113 of 24112 chromosomes (freq: 0.004686) (Genome Aggregation Database March 6, 2019, v2.1.1). The p.S840 residue is not conserved in mammals and computational analyses (MUT Assesor, PolyPhen-2, SIFT, MutationTaster, Revel, FATHMM, MetaLR, DANN) do not suggest a high likelihood of impact to the protein; however this information is not predictive enough to rule out pathogenicity. The variant occurs outside of the splicing consensus sequence and in silico or computational prediction software programs (Splice AI exome) do not predict a difference in splicing. In summary, based on the above information the clinical significance of this variant cannot be determined with certainty at this time. This variant is classified as a variant of uncertain significance.